The following is an entry in ClinVar:

ClinVar aggregate classification (germline): Uncertain significance (1 of 4 stars; one submission).

Conditions:
Diamond-Blackfan anemia. Also called: Blackfan Diamond syndrome; Aregenerative anemia chronic congenital; Red cell aplasia, pure hereditary; Congenital hypoplastic anemia; Aase syndrome. Identifiers: Orphanet 124, MedGen C1260899, MeSH D029503, MONDO:0015253, HP:0004810.

Submission:

Labcorp Genetics (formerly Invitae), Labcorp
Classification: Uncertain significance for Diamond-Blackfan anemia. Last evaluated: 2024-01-29. Review status: criteria provided, single submitter. Criteria: Invitae Variant Classification Sherloc (09022015). Collection method: clinical testing. Allele origin: germline.
Comment: This sequence change replaces glycine, which is neutral and non-polar, with valine, which is neutral and non-polar, at codon 91 of the RPL5 protein (p.Gly91Val). This variant is not present in population databases (gnomAD no frequency). This variant has not been reported in the literature in individuals affected with RPL5-related conditions. Advanced modeling of protein sequence and biophysical properties (such as structural, functional, and spatial information, amino acid conservation, physicochemical variation, residue mobility, and thermodynamic stability) performed at Invitae indicates that this missense variant is expected to disrupt RPL5 protein function with a positive predictive value of 80%. In summary, the available evidence is currently insufficient to determine the role of this variant in disease. Therefore, it has been classified as a Variant of Uncertain Significance.

NM_000969.5(RPL5):c.272G>T (p.Gly91Val)

Genes: DIPK1A (divergent protein kinase domain 1A; minus strand), RPL5 (ribosomal protein L5; plus strand). Cytogenetic location: 1p22.1.
Variant type: single nucleotide variant.
Coding change: c.272G>T on transcript NM_000969.5 (MANE Select); coding-DNA position 272, G replaced by T.
Protein change: p.Gly91Val; replaces glycine 91 with valine.
Molecular consequence: missense variant. On other transcripts: non-coding transcript variant (1), intron variant (1).
Genome position (GRCh38, 1-based): chr1:92,834,861, G>T. VCF-style: chr1-92834861-G-T. GRCh37 (hg19) VCF-style: chr1-93300418-G-T.
Other names: c.475-1827C>A (NM_001252273.2); short protein forms G91V.
Identifiers: ClinVar variation 3637415 (VCV003637415.2).